The following is an entry in ClinVar:

ClinVar aggregate classification (germline): Conflicting classifications of pathogenicity. Review status: criteria provided, conflicting classifications (1 of 4 stars). 4 submissions from 4 submitters: Uncertain significance (3); Likely benign (1). Last evaluated 2022-12-05.

Conditions:
Inborn genetic diseases. Identifiers: MedGen C0950123, MeSH D030342.
Charcot-Marie-Tooth disease recessive intermediate C. Also called: CHARCOT-MARIE-TOOTH NEUROPATHY, RECESSIVE INTERMEDIATE C. Identifiers: Orphanet 369867, MedGen C3809309, MONDO:0014154, OMIM 615376.
Neuronopathy, distal hereditary motor, autosomal recessive 4. Also called: Autosomal recessive lower motor neuron disease with childhood onset; NEUROPATHY, DISTAL HEREDITARY MOTOR, AUTOSOMAL RECESSIVE 4. Identifiers: Orphanet 206580, MedGen C1970211, MONDO:0012608, OMIM 611067.

Allele frequency attached by ClinVar (database versions not stated): ExAC 0.00001; gnomAD exomes 0.00001.
gnomAD v4.1: 10 of 1,613,874 alleles (0.00062%); highest among the groups gnomAD compares: Non-Finnish European, 0.00085%; 1 homozygote.

Submissions (4):

GeneDx
Classification: Uncertain significance. Last evaluated: 2022-12-05. Review status: criteria provided, single submitter. Criteria: GeneDx Variant Classification Process June 2021. Collection method: clinical testing. Allele origin: germline. Affected: yes.
Comment: Not observed at significant frequency in large population cohorts (gnomAD); In silico analysis supports that this missense variant does not alter protein structure/function; Has not been previously published as pathogenic or benign to our knowledge

Ambry Genetics
Classification: Likely benign for Inborn genetic diseases. Last evaluated: 2022-08-15. Review status: criteria provided, single submitter. Criteria: Ambry Variant Classification Scheme 2023. Collection method: clinical testing. Allele origin: germline.

Mayo Clinic Laboratories, Mayo Clinic
Classification: Uncertain significance. Last evaluated: 2022-02-23. Review status: criteria provided, single submitter. Criteria: ACMG Guidelines, 2015. Collection method: clinical testing. Allele origin: germline. Observed: 1 variant allele.
Comment: BP4, PM2

Labcorp Genetics (formerly Invitae), Labcorp
Classification: Uncertain significance for Neuronopathy, distal hereditary motor, autosomal recessive 4; Charcot-Marie-Tooth disease recessive intermediate C. Last evaluated: 2021-08-26. Review status: criteria provided, single submitter. Criteria: Invitae Variant Classification Sherloc (09022015). Collection method: clinical testing. Allele origin: germline.
Comment: This sequence change replaces arginine with lysine at codon 625 of the PLEKHG5 protein (p.Arg625Lys). The arginine residue is weakly conserved and there is a small physicochemical difference between arginine and lysine. This variant is present in population databases (rs765998625, ExAC 0.002%). This variant has not been reported in the literature in individuals affected with PLEKHG5-related conditions. Algorithms developed to predict the effect of missense changes on protein structure and function output the following: SIFT: "Tolerated"; PolyPhen-2: "Benign"; Align-GVGD: "Class C0". The lysine amino acid residue is found in multiple mammalian species, which suggests that this missense change does not adversely affect protein function. In summary, the available evidence is currently insufficient to determine the role of this variant in disease. Therefore, it has been classified as a Variant of Uncertain Significance.

NM_020631.6(PLEKHG5):c.1874G>A (p.Arg625Lys)

Gene: PLEKHG5 (pleckstrin homology and RhoGEF domain containing G5; minus strand). Cytogenetic location: 1p36.31.
Variant type: single nucleotide variant.
Coding change: c.1874G>A on transcript NM_020631.6 (MANE Select); coding-DNA position 1874, G replaced by A.
Protein change: p.Arg625Lys; replaces arginine 625 with lysine.
Molecular consequence: missense variant.
Genome position (GRCh38, 1-based): chr1:6,469,603, C>T on the plus strand (G>A on the coding strand, the complement: PLEKHG5 is on the minus strand). VCF-style: chr1-6469603-C-T. GRCh37 (hg19) VCF-style: chr1-6529663-C-T.
Other names: p.Arg702Lys; c.1985G>A, p.Arg662Lys (NM_001042663.3, NM_001265592.2); c.1874G>A, p.Arg625Lys (NM_001042664.2, NM_001042665.2, NM_001265594.3 and 1 more transcripts); c.2081G>A, p.Arg694Lys (NM_001265593.2); c.1874G>A (NM_020631.4); c.2105G>A (NM_198681.3); short protein forms R662K, R694K, R625K.
Identifiers: ClinVar variation 1398214 (VCV001398214.9), dbSNP rs765998625, ClinGen allele CA561328.